The following is an entry in ClinVar:

NM_001142864.4(PIEZO1):c.2992-23A>G

Genes: HSALR1 (HSP90AB1 associated lncRNA 1; plus strand), PIEZO1 (piezo type mechanosensitive ion channel component 1 (Er blood group); minus strand). Cytogenetic location: 16q24.3.
Variant type: single nucleotide variant.
Coding change: c.2992-23A>G on transcript NM_001142864.4 (MANE Select); 23 bases into the intron before coding-DNA position 2992, A replaced by G.
Molecular consequence: intron variant.
Genome position (GRCh38, 1-based): chr16:88,731,933, T>C on the plus strand (A>G on the coding strand, the complement: PIEZO1 is on the minus strand). VCF-style: chr16-88731933-T-C. GRCh37 (hg19) VCF-style: chr16-88798341-T-C.
Other names: c.2992-23A>G (NM_001142864.3).
Identifiers: ClinVar variation 1327013 (VCV001327013.6), dbSNP rs76070043, ClinGen allele CA8232609.

ClinVar aggregate classification (germline): Benign. Review status: criteria provided, multiple submitters, no conflicts (2 of 4 stars). 5 submissions from 4 submitters: Benign (4). 1 of the submissions does not count toward it. Last evaluated 2022-05-04.

Conditions:
Lymphatic malformation 6 (LMPHM6). Also called: GENERALIZED LYMPHATIC DYSPLASIA OF FOTIOU; Lymphedema, hereditary, III; PIEZO1-related generalized lymphatic dysplasia with non-immune hydrops fetalis. Identifiers: Orphanet 568062, MedGen C4225184, MONDO:0014797, OMIM 616843.
PIEZO1-related disorder. Also called: PIEZO1-related condition; PIEZO1-Related Disorders.
Dehydrated hereditary stomatocytosis with or without pseudohyperkalemia and/or perinatal edema (DHS1). Also called: Dehydrated hereditary stomatocytosis 1 with or without pseudohyperkalemia and/or perinatal edema; PSEUDOHYPERKALEMIA EDINBURGH; DEHYDRATED HEREDITARY STOMATOCYTOSIS AND PSEUDOHYPERKALEMIA; DEHYDRATED HEREDITARY STOMATOCYTOSIS WITH PSEUDOHYPERKALEMIA AND PERINATAL EDEMA; Pseudohyperkalemia, familial, 1, due to red cell leak. Identifiers: Orphanet 3202, MedGen C4551512, MONDO:0008689, OMIM 194380.

Allele frequency attached by ClinVar (database versions not stated): 1000 Genomes Project 0.46506; ExAC 0.48122; gnomAD 0.14168 and 0.14300.

Submissions (5):

Mendelics
Classification: Benign. Last evaluated: 2022-05-04. Review status: criteria provided, single submitter. Criteria: Mendelics Assertion Criteria 2019. Collection method: clinical testing. Allele origin: germline.

Genome-Nilou Lab
Classification: Benign for Dehydrated hereditary stomatocytosis with or without pseudohyperkalemia and/or perinatal edema. Last evaluated: 2021-09-05. Review status: criteria provided, single submitter. Criteria: ACMG Guidelines, 2015. Collection method: clinical testing. Allele origin: germline. Affected: no.

Genome-Nilou Lab
Classification: Benign for Lymphatic malformation 6. Last evaluated: 2021-09-05. Review status: criteria provided, single submitter. Criteria: ACMG Guidelines, 2015. Collection method: clinical testing. Allele origin: germline. Affected: no.

Breakthrough Genomics
Classification: Benign. Review status: criteria provided, single submitter. Criteria: ACMG Guidelines, 2015. Collection method: not provided. Allele origin: germline. Inheritance: Autosomal recessive inheritance. Affected: yes.

PreventionGenetics, part of Exact Sciences
Classification: Likely benign for PIEZO1-related condition. Last evaluated: 2022-06-09. Review status: no assertion criteria provided. Collection method: clinical testing. Allele origin: germline. Not counted in ClinVar's aggregate classification.
Comment: This variant is classified as likely benign based on ACMG/AMP sequence variant interpretation guidelines (Richards et al. 2015 PMID: 25741868, with internal and published modifications).